The following is an entry in ClinVar:

NM_014297.5(ETHE1):c.487C>T (p.Arg163Trp)

Gene: ETHE1 (ETHE1 persulfide dioxygenase; minus strand). Cytogenetic location: 19q13.31.
Variant type: single nucleotide variant.
Coding change: c.487C>T on transcript NM_014297.5 (MANE Select); coding-DNA position 487, C replaced by T.
Protein change: p.Arg163Trp; replaces arginine 163 with tryptophan.
Molecular consequence: missense variant.
Genome position (GRCh38, 1-based): chr19:43,511,455, G>A on the plus strand (C>T on the coding strand, the complement: ETHE1 is on the minus strand). VCF-style: chr19-43511455-G-A. GRCh37 (hg19) VCF-style: chr19-44015607-G-A.
Other names: c.454C>T, p.Arg152Trp (NM_001320867.2); c.118C>T, p.Arg40Trp (NM_001320868.2); c.193C>T, p.Arg65Trp (NM_001320869.2); c.487C>T (NM_014297.4); short protein forms R163W, R152W, R40W, R65W.
Identifiers: ClinVar variation 2317 (VCV000002317.33), dbSNP rs28940289, ClinGen allele CA115479.
Genomic context (GRCh38, chr19:43,511,455, plus strand): 5'-TAACTATATGAAGATCTTGGGCTGGATAAAGGAGCTGGTCACCTTGCTGGAAGTCTGTCC[G>A]CCCACACCCACGGATCAACAGGGCATCTCCAGTGAAGGCCATGCTGTGGTCATTCAGGAC-3'
Protein context (NP_055112.2, residues 153-173): GDALLIRGCG[Arg163Trp]TDFQQGCAKT

ClinVar aggregate classification (germline): Pathogenic. Review status: reviewed by expert panel (3 of 4 stars). 11 submissions from 11 submitters: Pathogenic (1). 10 of the submissions do not count toward it. Last evaluated 2021-05-06.

Conditions:
Ethylmalonic encephalopathy (EE). Also called: Syndrome of encephalopathy, petechiae, and ethylmalonic aciduria; EPEMA syndrome; Encephalopathy, petechiae, and ethylmalonic aciduria. Identifiers: Orphanet 51188, MedGen C1865349, MONDO:0011229, OMIM 602473. Disease mechanism: loss of function.

Allele frequency attached by ClinVar (database versions not stated): gnomAD exomes 0.00002 and 0.00001; TOPMed 0.00003; ExAC 0.00002; gnomAD 0.00004 and 0.00002.

Submissions (11):

ClinGen Mitochondrial Disease Nuclear and Mitochondrial  Variant Curation Expert Panel, ClinGen
Classification: Pathogenic for Ethylmalonic encephalopathy. Last evaluated: 2021-05-06. Review status: reviewed by expert panel. Criteria: ClinGen Mito Disease ACMG Specifications v1. Collection method: curation. Allele origin: germline. Inheritance: Autosomal recessive inheritance.
Comment: The ETHE1 c.487C>T variant is a missense variant at the 163 amino acid position where one other pathogenic mutation has been reported (c.488G>A) indicating that this residue is critical to the function of the protein (PM5_moderate). There are multiple lines of computational evidence supporting a deleterious effect (PP3_supporting). Functional studies performed in ETHE1 isolated from E-coli cells demonstrated 10 fold reduced ETHE1 catalytic activity when compared to controls (PS3_supporting; PMID:25198162). The c.487C>T mutation has been reported in four unrelated affected individuals including three who were homozygous for the variant (PMID:16183799; PMID:16828325; PMID:28698729) and one proband where c.487C>T was found in trans with another reportedly pathogenic ETHE1 variant (PMID:18593870) (PM3_strong). One of these patients demonstrated a clinical phenotype specific to ethylmalonic encephalopathy including chronic diarrhea, petechiae, acrocyanosis, and developmental delay in addition to the biochemical findings urinary ethylmalonic acid and elevated blood C4-acylcarnitine esters and blood C5-acylcarnitines (PP4_moderate; PMID: 16828325). A larger family including 7 children has been reported where homozygous c.487C>T variant was identified in the three affected siblings and segregated with disease in the unaffected siblings (PP1_strong; PMID:14732903). In summary, this variant meets criteria to be classified as pathogenic for ethylmalonic encephalopathy in an autosomal recessive manner. ETHE1-specific ACMG/AMP criteria applied PM5_moderate; PP3_supporting; PS3_supporting; PM3_strong; PP4_moderate; PP1_strong.

Natera, Inc.
Classification: Pathogenic for Ethylmalonic encephalopathy. Last evaluated: 2025-12-30. Review status: criteria provided, single submitter. Criteria: Natera Variant Classification Schema (03/2026). Collection method: clinical testing. Allele origin: germline. Not counted in ClinVar's aggregate classification.
Comment: The c.487C>T variant in ETHE1 is a missense variant predicted to cause substitution of arginine to tryptophan at amino acid 163. This variant is rare in the general population with a frequency below the threshold expected for the associated phenotype(s). This variant has been observed in one or more individuals affected with the associated recessive disease, as either homozygous or compound heterozygous with a second variant (PMID: 14732903, 30838026). Given the available evidence, this variant is classified as Pathogenic.

Labcorp Genetics (formerly Invitae), Labcorp
Classification: Pathogenic for Ethylmalonic encephalopathy. Last evaluated: 2024-12-04. Review status: criteria provided, single submitter. Criteria: Invitae Variant Classification Sherloc (09022015). Collection method: clinical testing. Allele origin: germline. Not counted in ClinVar's aggregate classification.
Comment: This sequence change replaces arginine, which is basic and polar, with tryptophan, which is neutral and slightly polar, at codon 163 of the ETHE1 protein (p.Arg163Trp). This variant is present in population databases (rs28940289, gnomAD 0.008%). This missense change has been observed in individuals with clinical features of ethylmalonic encephalopathy (PMID: 16828325, 18593870, 30864297). It has also been observed to segregate with disease in related individuals. ClinVar contains an entry for this variant (Variation ID: 2317). Invitae Evidence Modeling of protein sequence and biophysical properties (such as structural, functional, and spatial information, amino acid conservation, physicochemical variation, residue mobility, and thermodynamic stability) indicates that this missense variant is expected to disrupt ETHE1 protein function with a positive predictive value of 80%. Experimental studies have shown that this missense change affects ETHE1 function (PMID: 25198162). This variant disrupts the p.Arg163 amino acid residue in ETHE1. Other variant(s) that disrupt this residue have been determined to be pathogenic (PMID: 2777167, 14732903, 30298498). This suggests that this residue is clinically significant, and that variants that disrupt this residue are likely to be disease-causing. For these reasons, this variant has been classified as Pathogenic.

CeGaT Center for Human Genetics Tuebingen
Classification: Pathogenic. Last evaluated: 2024-08-01. Review status: criteria provided, single submitter. Criteria: CeGaT Center For Human Genetics Tuebingen Variant Classification Criteria Version 2. Collection method: clinical testing. Allele origin: germline. Affected: yes. Observed: 2 variant alleles. Not counted in ClinVar's aggregate classification.
Comment: ETHE1: PM3:Strong, PM2, PM5, PP1:Moderate, PP3, PS3:Supporting

Fulgent Genetics
Classification: Pathogenic for Ethylmalonic encephalopathy. Last evaluated: 2024-06-12. Review status: criteria provided, single submitter. Criteria: ACMG Guidelines, 2015. Collection method: clinical testing. Allele origin: germline. Not counted in ClinVar's aggregate classification.

Genomic Medicine Center of Excellence, King Faisal Specialist Hospital and Research Centre
Classification: Pathogenic for Ethylmalonic encephalopathy. Last evaluated: 2024-03-26. Review status: criteria provided, single submitter. Criteria: ACMG Guidelines, 2015. Collection method: clinical testing. Allele origin: germline. Not counted in ClinVar's aggregate classification.

Baylor Genetics
Classification: Pathogenic for Ethylmalonic encephalopathy. Last evaluated: 2024-03-19. Review status: criteria provided, single submitter. Criteria: ACMG Guidelines, 2015. Collection method: clinical testing. Allele origin: unknown. Not counted in ClinVar's aggregate classification.

Women's Health and Genetics/Laboratory Corporation of America, LabCorp
Classification: Pathogenic for Ethylmalonic encephalopathy. Last evaluated: 2018-01-05. Review status: criteria provided, single submitter. Criteria: LabCorp Variant Classification Summary - May 2015. Collection method: clinical testing. Allele origin: germline. Not counted in ClinVar's aggregate classification.
Comment: Variant summary: The ETHE1 c.487C>T (p.Arg163Trp) variant involves the alteration of a conserved nucleotide located at the Metallo-beta-lactamase domain (INterPro). 4/4 in silico tools predict a damaging outcome for this variant (SNPsandGO not captured due to low reliability index). This variant was found in 6/278272 control chromosomes at a frequency of 0.0000216, which does not exceed the estimated maximal expected allele frequency of a pathogenic ETHE1 variant (0.0013229). It has been reported in multiple affected individuals in the homozygous state (Tiranti_2004 and Rocco_2006), and a functional study showed the variant with <10% specific activity compared to wild-type (Henriques_2014). Variants affecting the same codon such as R163Q have also been reported affected individuals, supporting the funcitonal importance of this codon. Taken together, this variant is classified as pathogenic.

CENTOGENE GmbH and LLC - Guiding Precision Medicine
Classification: Pathogenic for Ethylmalonic encephalopathy. Review status: criteria provided, single submitter. Criteria: ACMG Guidelines, 2015. Collection method: clinical testing. Allele origin: germline. Affected: yes. Not counted in ClinVar's aggregate classification.

OMIM
Classification: Pathogenic for ENCEPHALOPATHY, ETHYLMALONIC. Last evaluated: 2004-02-01. Review status: no assertion criteria provided. Collection method: literature only. Allele origin: germline. Not counted in ClinVar's aggregate classification.

GeneReviews
No classification provided. Condition: Ethylmalonic encephalopathy. Review status: no classification provided. Collection method: literature only. Allele origin: germline. Not counted in ClinVar's aggregate classification.

Literature cited by the submitters: PubMed 14732903 (cited by 4 submitters); PubMed 30838026 (cited by Natera, Inc.); PubMed 16828325 (cited by Labcorp Genetics (formerly Invitae), Labcorp and Women's Health and Genetics/Laboratory Corporation of America, LabCorp); PubMed 18593870 (cited by Labcorp Genetics (formerly Invitae), Labcorp); PubMed 30864297 (cited by Labcorp Genetics (formerly Invitae), Labcorp); PubMed 25198162 (cited by Labcorp Genetics (formerly Invitae), Labcorp and Women's Health and Genetics/Laboratory Corporation of America, LabCorp); PubMed 2777167 (cited by Labcorp Genetics (formerly Invitae), Labcorp); PubMed 30298498 (cited by Labcorp Genetics (formerly Invitae), Labcorp); NCBI Bookshelf NBK453432 (cited by GeneReviews); PubMed 28933811 (cited by GeneReviews).